The following is an entry in ClinVar:

NM_130839.5(UBE3A):c.633A>G (p.Ile211Met)

Genes: SNHG14 (small nucleolar RNA host gene 14; plus strand), UBE3A (ubiquitin protein ligase E3A; minus strand). Cytogenetic location: 15q11.2.
Variant type: single nucleotide variant.
Coding change: c.633A>G on transcript NM_130839.5 (MANE Select); coding-DNA position 633, A replaced by G.
Protein change: p.Ile211Met; replaces isoleucine 211 with methionine.
Molecular consequence: missense variant. On other transcripts: non-coding transcript variant (1), intron variant (2).
Genome position (GRCh38, 1-based): chr15:25,371,541, T>C on the plus strand (A>G on the coding strand, the complement: UBE3A is on the minus strand). VCF-style: chr15-25371541-T-C. GRCh37 (hg19) VCF-style: chr15-25616688-T-C.
Other names: c.573A>G, p.Ile191Met (NM_001354541.2, NM_001354542.2, NM_001354543.2 and 17 more transcripts); c.633A>G, p.Ile211Met (NM_001354545.2, NM_001354505.1, NM_001354538.2); c.456A>G, p.Ile152Met (NM_001354546.2); c.642A>G, p.Ile214Met (NM_000462.5); c.301+3924A>G (NM_001354551.2); c.361+3924A>G (NM_001354550.2); short protein forms I211M, I214M, I152M, I191M.
Identifiers: ClinVar variation 2772120 (VCV002772120.3), dbSNP rs774856117, ClinGen allele CA7435609.

ClinVar aggregate classification (germline): Uncertain significance (1 of 4 stars; one submission).

Conditions:
Angelman syndrome (AS). Also called: HAPPY PUPPET SYNDROME. Identifiers: Orphanet 72, MedGen C0162635, MONDO:0007113, OMIM 105830. Disease mechanism: loss of function. Inheritance: imprinting disorder, AS is caused by disruption of maternally imprinted UBE3A located within the 15q11.2-q13 Angelman syndrome/Prader-Willi syndrome (AS/PWS) region..

Allele frequency attached by ClinVar (database versions not stated): gnomAD exomes below 0.00001; ExAC 0.00001.
gnomAD v4.1: 3 of 1,614,194 alleles (0.00019%); highest among the groups gnomAD compares: South Asian, 0.0033%; no homozygotes.

Submission:

Labcorp Genetics (formerly Invitae), Labcorp
Classification: Uncertain significance for Angelman syndrome. Last evaluated: 2023-10-27. Review status: criteria provided, single submitter. Criteria: Invitae Variant Classification Sherloc (09022015). Collection method: clinical testing. Allele origin: germline.
Comment: This sequence change replaces isoleucine, which is neutral and non-polar, with methionine, which is neutral and non-polar, at codon 191 of the UBE3A protein (p.Ile191Met). This variant is present in population databases (rs774856117, gnomAD 0.003%). This variant has not been reported in the literature in individuals affected with UBE3A-related conditions. Advanced modeling of protein sequence and biophysical properties (such as structural, functional, and spatial information, amino acid conservation, physicochemical variation, residue mobility, and thermodynamic stability) performed at Invitae indicates that this missense variant is not expected to disrupt UBE3A protein function with a negative predictive value of 95%. In summary, the available evidence is currently insufficient to determine the role of this variant in disease. Therefore, it has been classified as a Variant of Uncertain Significance.